The following is an entry in ClinVar:

NM_001252024.2(TRPM1):c.2150C>T (p.Ala717Val)

Gene: TRPM1 (transient receptor potential cation channel subfamily M member 1; minus strand). Cytogenetic location: 15q13.3.
Variant type: single nucleotide variant.
Coding change: c.2150C>T on transcript NM_001252024.2 (MANE Select); coding-DNA position 2150, C replaced by T.
Protein change: p.Ala717Val; replaces alanine 717 with valine.
Molecular consequence: missense variant.
Genome position (GRCh38, 1-based): chr15:31,040,284, G>A on the plus strand (C>T on the coding strand, the complement: TRPM1 is on the minus strand). VCF-style: chr15-31040284-G-A. GRCh37 (hg19) VCF-style: chr15-31332487-G-A.
Other names: c.2201C>T, p.Ala734Val (NM_001252020.2); c.2084C>T, p.Ala695Val (NM_002420.6); short protein forms A695V, A717V, A734V.
Identifiers: ClinVar variation 1006640 (VCV001006640.6), dbSNP rs1167075031, ClinGen allele CA391510501.
Genomic context (GRCh38, chr15:31,040,284, plus strand): 5'-GCCAGTTTGAGGCAGGTCGAGTTGCTCCAGTTTTTCAGCTCGTAGGTCAGGAGTTTCATA[G>A]CGATCTGCTCGTCATGCTTATAGGACTGGTCTAATAACTCCAAAGCAAGCTGGCCGAAGT-3'
Protein context (NP_001238953.1, residues 707-727): DQSYKHDEQI[Ala717Val]MKLLTYELKN

ClinVar aggregate classification (germline): Uncertain significance (1 of 4 stars; one submission).

Allele frequency attached by ClinVar (database versions not stated): TOPMed below 0.00001; gnomAD 0.00001.
gnomAD v4.1: 1 of 1,614,112 alleles (0.000062%); highest among the groups gnomAD compares: Non-Finnish European, 0.000085%; no homozygotes.

Submission:

Labcorp Genetics (formerly Invitae), Labcorp
Classification: Uncertain significance. Last evaluated: 2021-10-21. Review status: criteria provided, single submitter. Criteria: Invitae Variant Classification Sherloc (09022015). Collection method: clinical testing. Allele origin: germline.
Comment: This variant has not been reported in the literature in individuals affected with TRPM1-related conditions. This sequence change replaces alanine with valine at codon 695 of the TRPM1 protein (p.Ala695Val). The alanine residue is highly conserved and there is a small physicochemical difference between alanine and valine. This variant is not present in population databases (ExAC no frequency). Algorithms developed to predict the effect of missense changes on protein structure and function are either unavailable or do not agree on the potential impact of this missense change (SIFT: "Deleterious"; PolyPhen-2: "Probably Damaging"; Align-GVGD: "Class C0"). In summary, the available evidence is currently insufficient to determine the role of this variant in disease. Therefore, it has been classified as a Variant of Uncertain Significance.